The following is an entry in ClinVar:

NM_031206.7(LAS1L):c.1209C>G (p.Leu403=)

Gene: LAS1L (LAS1 like ribosome biogenesis factor; minus strand). Cytogenetic location: Xq12.
Variant type: single nucleotide variant.
Coding change: c.1209C>G on transcript NM_031206.7 (MANE Select); coding-DNA position 1209, C replaced by G.
Protein change: p.Leu403=; no amino-acid change (leucine 403 retained).
Molecular consequence: synonymous variant. On other transcripts: non-coding transcript variant (1).
Genome position (GRCh38, 1-based): chrX:65,524,147, G>C on the plus strand (C>G on the coding strand, the complement: LAS1L is on the minus strand). VCF-style: chrX-65524147-G-C. GRCh37 (hg19) VCF-style: chrX-64744027-G-C.
Other names: c.1158C>G, p.Leu386= (NM_001170649.2, NM_001375331.1, NM_001375333.1 and 2 more transcripts); c.1032C>G, p.Leu344= (NM_001170650.2); c.1209C>G, p.Leu403= (NM_001375328.1, NM_001375329.1, NM_001375330.1 and 3 more transcripts); c.252C>G, p.Leu84= (NM_001375332.1); c.1209C>G (NM_031206.4).
Identifiers: ClinVar variation 2420180 (VCV002420180.11), dbSNP rs141099046, ClinGen allele CA10433954.

ClinVar aggregate classification (germline): Benign. Review status: criteria provided, single submitter (1 of 4 stars). 2 submissions from 2 submitters: Benign (1). 1 of the submissions does not count toward it. Last evaluated 2025-08-29.

Conditions:
Wilson-Turner syndrome (WTS). Also called: INTELLECTUAL DEVELOPMENTAL DISORDER, X-LINKED, SYNDROMIC, WILSON-TURNER TYPE; MENTAL RETARDATION, X-LINKED, SYNDROMIC 6. Identifiers: Orphanet 3459, MedGen C1839736, MONDO:0010665, OMIM 309585.
LAS1L-related disorder. Also called: LAS1L-related condition.

Allele frequency attached by ClinVar (database versions not stated): ExAC 0.00028; 1000 Genomes Project 0.00053; 1000 Genomes Project 30x 0.00062; gnomAD 0.00067; ESP Exome Variant Server 0.00095.

Submissions (2):

Labcorp Genetics (formerly Invitae), Labcorp
Classification: Benign for Wilson-Turner syndrome. Last evaluated: 2025-08-29. Review status: criteria provided, single submitter. Criteria: Invitae Variant Classification Sherloc (09022015). Collection method: clinical testing. Allele origin: germline.

PreventionGenetics, part of Exact Sciences
Classification: Likely benign for LAS1L-related condition. Last evaluated: 2019-05-02. Review status: no assertion criteria provided. Collection method: clinical testing. Allele origin: germline. Not counted in ClinVar's aggregate classification.
Comment: This variant is classified as likely benign based on ACMG/AMP sequence variant interpretation guidelines (Richards et al. 2015 PMID: 25741868, with internal and published modifications).